The following is an entry in ClinVar:

NM_015192.4(PLCB1):c.2789T>C (p.Met930Thr)

Gene: PLCB1 (phospholipase C beta 1; plus strand). Cytogenetic location: 20p12.3.
Variant type: single nucleotide variant.
Coding change: c.2789T>C on transcript NM_015192.4 (MANE Select); coding-DNA position 2789, T replaced by C.
Protein change: p.Met930Thr; replaces methionine 930 with threonine.
Molecular consequence: missense variant.
Genome position (GRCh38, 1-based): chr20:8,765,217, T>C. VCF-style: chr20-8765217-T-C. GRCh37 (hg19) VCF-style: chr20-8745864-T-C.
Other names: c.2789T>C, p.Met930Thr (NM_182734.3); short protein forms M930T.
Identifiers: ClinVar variation 2098121 (VCV002098121.4), dbSNP rs2515336029, ClinGen allele CA408208659.

ClinVar aggregate classification (germline): Uncertain significance (1 of 4 stars; one submission).

Conditions:
Developmental and epileptic encephalopathy, 12 (DEE12). Identifiers: MedGen C3150988, MONDO:0013389, OMIM 613722.

Submission:

Labcorp Genetics (formerly Invitae), Labcorp
Classification: Uncertain significance for Developmental and epileptic encephalopathy, 12. Last evaluated: 2022-02-17. Review status: criteria provided, single submitter. Criteria: Invitae Variant Classification Sherloc (09022015). Collection method: clinical testing. Allele origin: germline.
Comment: This sequence change replaces methionine, which is neutral and non-polar, with threonine, which is neutral and polar, at codon 930 of the PLCB1 protein (p.Met930Thr). This variant is not present in population databases (gnomAD no frequency). This variant has not been reported in the literature in individuals affected with PLCB1-related conditions. Algorithms developed to predict the effect of missense changes on protein structure and function are either unavailable or do not agree on the potential impact of this missense change (SIFT: "Deleterious"; PolyPhen-2: "Benign"; Align-GVGD: "Class C0"). In summary, the available evidence is currently insufficient to determine the role of this variant in disease. Therefore, it has been classified as a Variant of Uncertain Significance.